The following is an entry in ClinVar:

NM_000222.3(KIT):c.1745G>T (p.Trp582Leu)

Gene: KIT (KIT proto-oncogene, receptor tyrosine kinase; plus strand). Cytogenetic location: 4q12.
Variant type: single nucleotide variant.
Coding change: c.1745G>T on transcript NM_000222.3 (MANE Select); coding-DNA position 1745, G replaced by T.
Protein change: p.Trp582Leu; replaces tryptophan 582 with leucine.
Molecular consequence: missense variant.
Genome position (GRCh38, 1-based): chr4:54,727,513, G>T. VCF-style: chr4-54727513-G-T. GRCh37 (hg19) VCF-style: chr4-55593679-G-T.
Other names: c.1733G>T, p.Trp578Leu (NM_001093772.2, NM_001385286.1); c.1748G>T, p.Trp583Leu (NM_001385284.1, NM_001385290.1); c.1745G>T, p.Trp582Leu (NM_001385285.1); c.1736G>T, p.Trp579Leu (NM_001385288.1, NM_001385292.1); short protein forms W583L, W579L, W582L, W578L.
Identifiers: ClinVar variation 1779283 (VCV001779283.4), dbSNP rs2109777247, ClinGen allele CA356907621.

ClinVar aggregate classification (germline): Uncertain significance. Review status: criteria provided, multiple submitters, no conflicts (2 of 4 stars). 2 submissions from 2 submitters: Uncertain significance (2). Last evaluated 2025-10-09.

Conditions:
Gastrointestinal stromal tumor. Also called: Gastrointestinal stromal tumor, somatic; Gastrointestinal stroma tumor. Identifiers: Orphanet 44890, MedGen C0238198, MeSH D046152, MONDO:0011719, OMIM 606764, HP:0100723.
Hereditary cancer-predisposing syndrome. Also called: Neoplastic Syndromes, Hereditary; Tumor predisposition; Hereditary Cancer Syndrome; Hereditary neoplastic syndrome. Identifiers: Orphanet 140162, MedGen C0027672, MeSH D009386, MONDO:0015356.

Submissions (2):

Ambry Genetics
Classification: Uncertain significance for Hereditary cancer-predisposing syndrome. Last evaluated: 2025-10-09. Review status: criteria provided, single submitter. Criteria: Ambry Variant Classification Scheme 2023. Collection method: clinical testing. Allele origin: germline.
Comment: The p.W582L variant (also known as c.1745G>T), located in coding exon 11 of the KIT gene, results from a G to T substitution at nucleotide position 1745. The tryptophan at codon 582 is replaced by leucine, an amino acid with similar properties. This amino acid position is highly conserved in available vertebrate species. In addition, this alteration is predicted to be deleterious by in silico analysis. Based on the available evidence, the clinical significance of this variant remains unclear.

Labcorp Genetics (formerly Invitae), Labcorp
Classification: Uncertain significance for Gastrointestinal stromal tumor. Last evaluated: 2025-08-05. Review status: criteria provided, single submitter. Criteria: Invitae Variant Classification Sherloc (09022015). Collection method: clinical testing. Allele origin: germline.
Comment: This sequence change replaces tryptophan, which is neutral and slightly polar, with leucine, which is neutral and non-polar, at codon 582 of the KIT protein (p.Trp582Leu). This variant is not present in population databases (gnomAD no frequency). This variant has not been reported in the literature in individuals affected with KIT-related conditions. ClinVar contains an entry for this variant (Variation ID: 1779283). An algorithm developed to predict the effect of missense changes on protein structure and function (PolyPhen-2) suggests that this variant is likely to be disruptive. In summary, the available evidence is currently insufficient to determine the role of this variant in disease. Therefore, it has been classified as a Variant of Uncertain Significance.